The following is an entry in ClinVar:

NM_007294.4(BRCA1):c.2206G>C (p.Glu736Gln)

Gene: BRCA1 (BRCA1 DNA repair associated; minus strand). Cytogenetic location: 17q21.31.
Variant type: single nucleotide variant.
Coding change: c.2206G>C on transcript NM_007294.4 (MANE Select); coding-DNA position 2206, G replaced by C.
Protein change: p.Glu736Gln; replaces glutamic acid 736 with glutamine.
Molecular consequence: missense variant. On other transcripts: intron variant (137).
Genome position (GRCh38, 1-based): chr17:43,093,325, C>G on the plus strand (G>C on the coding strand, the complement: BRCA1 is on the minus strand). VCF-style: chr17-43093325-C-G. GRCh37 (hg19) VCF-style: chr17-41245342-C-G.
Other names: c.520+1419G>C (NM_001408505.1, NM_001408503.1, NM_001408504.1); c.461-2293G>C (NM_001408507.1, NM_001408506.1); c.545-2293G>C (NM_001408495.1); c.661+1419G>C (NM_001408448.1, NM_001408446.1, NM_001408435.1 and 6 more transcripts); c.668-2293G>C (NM_001408421.1, NM_001408431.1, NM_001408424.1); c.784+1419G>C (NM_001407991.1, NM_001408397.1, NM_001408401.1 and 13 more transcripts); c.574+1419G>C (NM_001408490.1, NM_001408493.1, NM_001408491.1); c.454+1419G>C (NM_001408502.1); and 41 more; short protein forms E440Q, E568Q, E608Q, E609Q, E624Q, E625Q, E647Q, E648Q.
Identifiers: ClinVar variation 1717822 (VCV001717822.8), dbSNP rs2154393441, ClinGen allele CA10597586.
Genomic context (GRCh38, chr17:43,093,325, plus strand): 5'-TTTCTCCACTTAACATGAGATCTTTGGGGTCTTCAGCATTATTAGACACTTTAACTGTTT[C>G]TAGTTTCTCTTCTTTTTCTTCTCTTGGAAGGCTAGGATTGACAAATTCTTTAAGTTCACT-3'
Protein context (NP_009225.1, residues 726-746): LPREEKEEKL[Glu736Gln]TVKVSNNAED

ClinVar aggregate classification (germline): Conflicting classifications of pathogenicity. Review status: criteria provided, conflicting classifications (1 of 4 stars). 2 submissions from 2 submitters: Uncertain significance (1); Likely benign (1). Last evaluated 2023-03-23.

Conditions:
Hereditary cancer-predisposing syndrome. Also called: Hereditary neoplastic syndrome; Neoplastic Syndromes, Hereditary; Hereditary Cancer Syndrome; Tumor predisposition. Identifiers: Orphanet 140162, MedGen C0027672, MeSH D009386, MONDO:0015356.
Hereditary breast ovarian cancer syndrome. Also called: BRCA1- and BRCA2-Associated Hereditary Breast and Ovarian Cancer; Hereditary breast and ovarian cancer syndrome (HBOC); Hereditary breast and/or ovarian cancer syndrome; Hereditary breast and ovarian cancer syndrome; Hereditary breast and ovarian cancer; Breast and ovarian cancer. Identifiers: Orphanet 145, MedGen C0677776, MeSH D061325, MONDO:0003582. Disease mechanism: loss of function.

Submissions (2):

University of Washington Department of Laboratory Medicine, University of Washington
Classification: Likely benign for Hereditary cancer-predisposing syndrome. Last evaluated: 2023-03-23. Review status: criteria provided, single submitter. Criteria: Dines et al. (Genet Med. 2020). Collection method: curation. Allele origin: germline.
Comment: Missense variant in a coldspot region where missense variants are very unlikely to be pathogenic (PMID:31911673).

BRCA1 coldspot (exon 11 using historical exon numbering). Reclassification based on statistical prior probability

Labcorp Genetics (formerly Invitae), Labcorp
Classification: Uncertain significance for Hereditary breast ovarian cancer syndrome. Last evaluated: 2022-08-23. Review status: criteria provided, single submitter. Criteria: Invitae Variant Classification Sherloc (09022015). Collection method: clinical testing. Allele origin: germline.
Comment: This variant is not present in population databases (gnomAD no frequency). This sequence change replaces glutamic acid, which is acidic and polar, with glutamine, which is neutral and polar, at codon 736 of the BRCA1 protein (p.Glu736Gln). This variant has not been reported in the literature in individuals affected with BRCA1-related conditions. In summary, the available evidence is currently insufficient to determine the role of this variant in disease. Therefore, it has been classified as a Variant of Uncertain Significance. Advanced modeling of protein sequence and biophysical properties (such as structural, functional, and spatial information, amino acid conservation, physicochemical variation, residue mobility, and thermodynamic stability) performed at Invitae indicates that this missense variant is not expected to disrupt BRCA1 protein function.